The following is an entry in ClinVar:

ClinVar aggregate classification (germline): Likely benign. Review status: criteria provided, multiple submitters, no conflicts (2 of 4 stars). 2 submissions from 2 submitters: Likely benign (2). Last evaluated 2025-07-27.

Conditions:
Long QT syndrome (LQTS). Identifiers: MedGen C0023976, MeSH D008133, MONDO:0002442. Disease mechanism: loss of function. Inheritance: Various modes of inheritance.

Allele frequency attached by ClinVar (database versions not stated): gnomAD exomes below 0.00001.
gnomAD v4.1: 1 of 1,563,908 alleles (0.000064%); highest among the groups gnomAD compares: Non-Finnish European, 0.000087%; no homozygotes.

Submissions (2):

Labcorp Genetics (formerly Invitae), Labcorp
Classification: Likely benign for Long QT syndrome. Last evaluated: 2025-07-27. Review status: criteria provided, single submitter. Criteria: Invitae Variant Classification Sherloc (09022015). Collection method: clinical testing. Allele origin: germline.

All of Us Research Program, National Institutes of Health
Classification: Likely benign for Long QT syndrome. Last evaluated: 2023-06-08. Review status: criteria provided, single submitter. Criteria: ACMG Guidelines, 2015. Collection method: clinical testing. Allele origin: germline. Inheritance: Autosomal dominant inheritance. Observed: 1 variant allele, 1 heterozygote.
Comment: This study involves interpretation of variants in research participants for the purpose of population health screening. Participant phenotype was not available at the time of variant classification. Additional details can be found in publication PMID: 35346344, PMCID: PMC8962531

NM_000238.4(KCNH2):c.3393C>T (p.Gly1131=)

Gene: KCNH2 (potassium voltage-gated channel subfamily H member 2; minus strand). Cytogenetic location: 7q36.1.
Variant type: single nucleotide variant.
Coding change: c.3393C>T on transcript NM_000238.4 (MANE Select); coding-DNA position 3393, C replaced by T.
Protein change: p.Gly1131=; no amino-acid change (glycine 1131 retained).
Molecular consequence: synonymous variant. On other transcripts: non-coding transcript variant (2).
Genome position (GRCh38, 1-based): chr7:150,945,452, G>A on the plus strand (C>T on the coding strand, the complement: KCNH2 is on the minus strand). VCF-style: chr7-150945452-G-A. GRCh37 (hg19) VCF-style: chr7-150642540-G-A.
Other names: c.3105C>T, p.Gly1035= (NM_001406753.1); c.2373C>T, p.Gly791= (NM_172057.3).
Identifiers: ClinVar variation 3071661 (VCV003071661.2), dbSNP rs2485994956, ClinGen allele CA458644570.